The following is an entry in ClinVar:

NM_002474.3(MYH11):c.4116+1del

Genes: NDE1 (nudE neurodevelopment protein 1; plus strand), MYH11 (myosin heavy chain 11; minus strand). Cytogenetic location: 16p13.11.
Variant type: Deletion.
Coding change: c.4116+1del on transcript NM_002474.3 (MANE Select); the canonical splice donor site of the intron after coding-DNA position 4116, one base deleted (G; older notation c.4116+1delG).
Molecular consequence: splice donor variant. On other transcripts: 3 prime UTR variant (2).
Genome position (GRCh38, 1-based): chr16:15,724,646, C deleted on the plus strand (G on the coding strand, the reverse complement: MYH11 is on the minus strand); the first of 2 consecutive C bases (chr16:15,724,646-15,724,647); deleting either gives the same sequence. VCF-style (leftmost placement, unchanged base first): chr16-15724645-AC-A. GRCh37 (hg19) VCF-style: chr16-15818502-AC-A.
Other names: c.*396del (NM_001143979.2, NM_017668.3); c.4116+1del (NM_022844.3); c.4137+1del (NM_001040114.2, NM_001040113.2).
Identifiers: ClinVar variation 1384395 (VCV001384395.6), dbSNP rs2151219190, ClinGen allele CA2573151891.
Genomic context (GRCh38, chr16:15,724,645, plus strand): 5'-GGGATCTCAGCGCAGAGAAGTTGAGAGGACCCATGAAGGAAGCAAGGACACGGGGCAGGC[AC>A]CTGGATGTTGAGAGTGGAGATGTGGCGCTCCAGGTTCTGCTTGGCCTCCATCTCCTCGTC-3'

ClinVar aggregate classification (germline): Pathogenic (1 of 4 stars; one submission).

Conditions:
Aortic aneurysm, familial thoracic 4 (AAT4). Also called: AORTIC ANEURYSM/AORTIC DISSECTION AND PATENT DUCTUS ARTERIOSUS. Identifiers: MedGen C1851504, MONDO:0007568, OMIM 132900.

Submission:

Labcorp Genetics (formerly Invitae), Labcorp
Classification: Pathogenic for Aortic aneurysm, familial thoracic 4. Last evaluated: 2021-03-31. Review status: criteria provided, single submitter. Criteria: Invitae Variant Classification Sherloc (09022015). Collection method: clinical testing. Allele origin: germline.
Comment: For these reasons, this variant has been classified as Pathogenic. Algorithms developed to predict the effect of sequence changes on RNA splicing suggest that this variant may disrupt the consensus splice site, but this prediction has not been confirmed by published transcriptional studies. This variant has not been reported in the literature in individuals with MYH11-related conditions. This variant is not present in population databases (ExAC no frequency). This sequence change creates a premature translational stop signal (p.Gln1379Hisfs*86) in the MYH11 gene. It is expected to result in an absent or disrupted protein product. Loss-of-function variants in MYH11 are known to be pathogenic (PMID: 25407000, 29575632).

Literature cited by the submitters: PubMed 25407000; PubMed 29575632.